The following is an entry in ClinVar:

NM_006206.6(PDGFRA):c.1955G>A (p.Gly652Glu)

Gene: PDGFRA (platelet derived growth factor receptor alpha; plus strand). Cytogenetic location: 4q12.
Variant type: single nucleotide variant.
Coding change: c.1955G>A on transcript NM_006206.6 (MANE Select); coding-DNA position 1955, G replaced by A.
Protein change: p.Gly652Glu; replaces glycine 652 with glutamic acid.
Molecular consequence: missense variant.
Genome position (GRCh38, 1-based): chr4:54,277,959, G>A. VCF-style: chr4-54277959-G-A. GRCh37 (hg19) VCF-style: chr4-55144126-G-A.
Other names: c.1955G>A, p.Gly652Glu (NM_001347829.2, NM_001347827.2); c.1994G>A, p.Gly665Glu (NM_001347830.2); c.2030G>A, p.Gly677Glu (NM_001347828.2); short protein forms G652E, G665E, G677E.
Identifiers: ClinVar variation 4530322 (VCV004530322.1).
Genomic context (GRCh38, chr4:54,277,959, plus strand): 5'-CGGCCAGATCCAGTGAAAAACAAGCTCTCATGTCTGAACTGAAGATAATGACTCACCTGG[G>A]GCCACATTTGAACATTGTAAACTTGCTGGGAGCCTGCACCAAGTCAGGTGGGCTCACTGA-3'
Protein context (NP_006197.1, residues 642-662): MSELKIMTHL[Gly652Glu]PHLNIVNLLG

ClinVar aggregate classification (somatic clinical impact): Tier I - Strong (1 of 4 stars; one submission).

Conditions:
Diffuse midline glioma, H3 K27M-mutant. Identifiers: MedGen C4289688, MONDO:0957196.

Submission:

Institute for Genomic Medicine (IGM) Clinical Laboratory, Nationwide Children's Hospital
Classification: Tier I - Strong for Diffuse midline glioma, H3 K27M-mutant. Assertion type: diagnostic. Clinical significance: supports diagnosis. Last evaluated: 2023-03-18. Review status: criteria provided, single submitter. Criteria: AMP/ASCO/CAP Guidelines, 2017. Collection method: clinical testing. Allele origin: somatic. Affected: yes.
Comment: Variant has Tier I (strong) clinical significance as a diagnostic inclusion criterion in diffuse midline glioma, H3 K27M-mutant, based on the following evidence: 1) Documented in one or more cancer databases (e.g., St. Jude Pecan, COSMIC, CIViC, OncoKB). 2) Appears in one or more well-established professional guidelines (e.g., World Health Organization [WHO]; National Comprehensive Cancer Network [NCCN]) as providing diagnostic, prognostic, or therapeutic information. 3) Diagnostic for a specific tumor type/classification based on well-powered studies with expert-level consensus (Evidence Level B; PMIDs: 24705251, 25230881, 27582545, 28966033, 29763623).

Literature cited by the submitters: PubMed 24705251; PubMed 25230881; PubMed 27582545; PubMed 28966033; PubMed 29763623.